The following is an entry in ClinVar:

ClinVar aggregate classification (germline): Uncertain significance (1 of 4 stars; one submission).

Conditions:
Inborn genetic diseases. Identifiers: MedGen C0950123, MeSH D030342.

Submission:

Ambry Genetics
Classification: Uncertain significance for Inborn genetic diseases. Last evaluated: 2022-08-23. Review status: criteria provided, single submitter. Criteria: Ambry Variant Classification Scheme 2023. Collection method: clinical testing. Allele origin: germline.
Comment: The p.A54T variant (also known as c.160G>A), located in coding exon 3 of the ERCC2 gene, results from a G to A substitution at nucleotide position 160. The alanine at codon 54 is replaced by threonine, an amino acid with similar properties. This amino acid position is conserved. In addition, the in silico prediction for this alteration is inconclusive. Since supporting evidence is limited at this time, the clinical significance of this alteration remains unclear.

NM_000400.4(ERCC2):c.160G>A (p.Ala54Thr)

Gene: ERCC2 (ERCC excision repair 2, TFIIH core complex helicase subunit; minus strand). Cytogenetic location: 19q13.32.
Variant type: single nucleotide variant.
Coding change: c.160G>A on transcript NM_000400.4 (MANE Select); coding-DNA position 160, G replaced by A.
Protein change: p.Ala54Thr; replaces alanine 54 with threonine.
Molecular consequence: missense variant.
Genome position (GRCh38, 1-based): chr19:45,369,093, C>T on the plus strand (G>A on the coding strand, the complement: ERCC2 is on the minus strand). VCF-style: chr19-45369093-C-T. GRCh37 (hg19) VCF-style: chr19-45872351-C-T.
Other names: c.88G>A, p.Ala30Thr (NM_001130867.2); short protein forms A30T, A54T.
Identifiers: ClinVar variation 1776369 (VCV001776369.2), dbSNP rs992698178, ClinGen allele CA406379484.